The following is an entry in ClinVar:

ClinVar aggregate classification (germline): Likely pathogenic (1 of 4 stars; one submission).

Conditions:
Genetic hearing loss. Also called: Hereditary hearing loss; Hereditary hearing disorder. Identifiers: MedGen C0236038.

Submission:

Genetics Research Center, University of Social Welfare and Rehabilitation Sciences
Classification: Likely pathogenic for Genetic hearing loss. Last evaluated: 2025-12-09. Review status: criteria provided, single submitter. Criteria: ACMG Guidelines, 2015. Collection method: research. Allele origin: germline. Affected: yes.
Comment: The variant is present at a very low frequency in the gnomAD v2.1.1 dataset (allele frequency: 0.002%) and has been reported in an Iranian consanguineous family with postlingual, moderate-to-severe autosomal recessive SNHL (PMID: 39434538). This study, together with the previously characterized deaf knockout mouse of Ankrd24, strongly supports that biallelic loss-of-function variants in ANKRD24 cause postlingual progressive HL in humans. Moreover, it suggests that if the mutant transcripts escape NMD, the resulting protein would be severely truncated—missing ~40% of the wild-type length and lacking two key domains critical for ANKRD24–TRIOBP interactions.

Literature cited by the submitters: PubMed 39434538.

NM_001393985.1(ANKRD24):c.1934_1937del (p.Thr645fs)

Gene: ANKRD24 (ankyrin repeat domain 24; plus strand). Cytogenetic location: 19p13.3.
Variant type: Deletion.
Coding change: c.1934_1937del on transcript NM_001393985.1 (MANE Select); coding-DNA positions 1934 to 1937, 4 bases deleted (CAAA; older notation c.1934_1937delCAAA).
Protein change: p.Thr645fs; shifts the reading frame from threonine 645.
Molecular consequence: frameshift variant.
Genome position (GRCh38, 1-based): chr19:4,217,094-4,217,097, CAAA deleted; deleting any 4 consecutive bases within chr19:4,217,091-4,217,097 gives the same sequence; the c. name uses the placement nearest the transcript's 3' end. VCF-style (leftmost placement, unchanged base first): chr19-4217090-AAAAC-A. GRCh37 (hg19) VCF-style: chr19-4217087-AAAAC-A.
Other names: c.1961_1964del, p.Thr654fs (NM_001393552.1); c.1934_1937del, p.Thr645fs (NM_001393553.1, NM_133475.1); c.1847_1850del, p.Thr616fs (NM_001393555.1); c.1850_1853del, p.Thr617fs (NM_001393556.1); c.1886_1889del, p.Thr629fs (NM_001393557.1); short protein forms T616fs, T617fs, T629fs, T645fs, T654fs.
Identifiers: ClinVar variation 4796690 (VCV004796690.1).
Genomic context (GRCh38, chr19:4,217,090, plus strand): 5'-GGAGCTCAGGCCACAGACACAGAGACCACGGGAGTGGAGGCCATGGGGGTGGAGGCCACA[AAAAC>A]AAAAGCAGAGGAAGCAGAAATGCAGGCCTACGGAGTGGGTGCTGGGCAAGCAGAGCCCCC-3'